The following is an entry in ClinVar:

ClinVar aggregate classification (germline): Uncertain significance (1 of 4 stars; one submission).

Submission:

Labcorp Genetics (formerly Invitae), Labcorp
Classification: Uncertain significance. Last evaluated: 2023-06-20. Review status: criteria provided, single submitter. Criteria: Invitae Variant Classification Sherloc (09022015). Collection method: clinical testing. Allele origin: germline.
Comment: This sequence change replaces isoleucine, which is neutral and non-polar, with methionine, which is neutral and non-polar, at codon 17 of the EMC1 protein (p.Ile17Met). This variant is not present in population databases (gnomAD no frequency). This variant has not been reported in the literature in individuals affected with EMC1-related conditions. Advanced modeling of protein sequence and biophysical properties (such as structural, functional, and spatial information, amino acid conservation, physicochemical variation, residue mobility, and thermodynamic stability) performed at Invitae indicates that this missense variant is not expected to disrupt EMC1 protein function. In summary, the available evidence is currently insufficient to determine the role of this variant in disease. Therefore, it has been classified as a Variant of Uncertain Significance.

NM_015047.3(EMC1):c.51T>G (p.Ile17Met)

Gene: EMC1 (ER membrane protein complex subunit 1; minus strand). Cytogenetic location: 1p36.13.
Variant type: single nucleotide variant.
Coding change: c.51T>G on transcript NM_015047.3 (MANE Select); coding-DNA position 51, T replaced by G.
Protein change: p.Ile17Met; replaces isoleucine 17 with methionine.
Molecular consequence: missense variant.
Genome position (GRCh38, 1-based): chr1:19,251,459, A>C on the plus strand (T>G on the coding strand, the complement: EMC1 is on the minus strand). VCF-style: chr1-19251459-A-C. GRCh37 (hg19) VCF-style: chr1-19577953-A-C.
Other names: c.51T>G, p.Ile17Met (NM_001271427.2, NM_001271428.2, NM_001271429.2 and 2 more transcripts); short protein forms I17M.
Identifiers: ClinVar variation 2850922 (VCV002850922.3), dbSNP rs777722209, ClinGen allele CA338775734.